The following is an entry in ClinVar:

ClinVar aggregate classification (germline): Pathogenic (1 of 4 stars; one submission).

Submission:

GeneDx
Classification: Pathogenic. Last evaluated: 2018-12-27. Review status: criteria provided, single submitter. Criteria: GeneDx Variant Classification (06012015). Collection method: clinical testing. Allele origin: germline. Affected: yes.
Comment: The c.4103delG variant in the EP300 gene has not been reported previously as a pathogenic variant nor as a benign variant, to our knowledge. The c.4103delG variant causes a frameshift starting with codon Glycine 1368, changes this amino acid to a Valine residue, and creates a premature Stop codon at position 42 of the new reading frame, denoted p.Gly1368ValfsX42. This variant is predicted to cause loss of normal protein function either through protein truncation or nonsense-mediated mRNA decay. The c.4103delG variant is not observed in large population cohorts (Lek et al., 2016). We interpret c.4103delG as a pathogenic variant.

NM_001429.4(EP300):c.4103del (p.Gly1368fs)

Gene: EP300 (E1A binding protein p300; plus strand). Cytogenetic location: 22q13.2.
Variant type: Deletion.
Coding change: c.4103del on transcript NM_001429.4 (MANE Select); coding-DNA position 4103, one base deleted (G; older notation c.4103delG).
Protein change: p.Gly1368fs; shifts the reading frame from glycine 1368.
Molecular consequence: frameshift variant.
Genome position (GRCh38, 1-based): chr22:41,168,798, G deleted; the last of 2 consecutive G bases (chr22:41,168,797-41,168,798); deleting either gives the same sequence. VCF-style (leftmost placement, unchanged base first): chr22-41168796-TG-T. GRCh37 (hg19) VCF-style: chr22-41564800-TG-T.
Other names: c.4025del, p.Gly1342fs (NM_001362843.2); short protein forms G1368fs, G1342fs.
Identifiers: ClinVar variation 817934 (VCV000817934.1), dbSNP rs1601633128, ClinGen allele CA915951386.